The following is an entry in ClinVar:

ClinVar aggregate classification (germline): Uncertain significance (1 of 4 stars; one submission).

Submission:

Labcorp Genetics (formerly Invitae), Labcorp
Classification: Uncertain significance. Last evaluated: 2020-10-03. Review status: criteria provided, single submitter. Criteria: Invitae Variant Classification Sherloc (09022015). Collection method: clinical testing. Allele origin: germline.
Comment: This variant results in a copy number gain of the genomic region encompassing the full coding sequence of the RHO gene. The boundaries of this event are unknown as they extend beyond the assayed region for this gene and therefore may encompass additional genes. As the precise location of this event is unknown, it may be in tandem or it may be located elsewhere in the genome. This variant has not been reported in the literature in individuals with RHO-related conditions. In summary, the available evidence is currently insufficient to determine the role of this variant in disease. Therefore, it has been classified as a Variant of Uncertain Significance.

NC_000003.11:g.(?_129234311)_(129252561_?)dup

Genes: IFT122 (intraflagellar transport 122; plus strand), RHO (rhodopsin; plus strand). Cytogenetic location: 3q22.1.
Variant type: Duplication.
Identifiers: ClinVar variation 1041302 (VCV001041302.1).